The following is an entry in ClinVar:

ClinVar aggregate classification (germline): Uncertain significance (1 of 4 stars; one submission).

Allele frequency attached by ClinVar (database versions not stated): TOPMed 0.00002; ExAC 0.00005; ESP Exome Variant Server 0.00008.
gnomAD v4.1: 15 of 1,604,456 alleles (0.00093%); highest among the groups gnomAD compares: African/African-American, 0.0067%; no homozygotes.

Submission:

Labcorp Genetics (formerly Invitae), Labcorp
Classification: Uncertain significance. Last evaluated: 2021-08-27. Review status: criteria provided, single submitter. Criteria: Invitae Variant Classification Sherloc (09022015). Collection method: clinical testing. Allele origin: germline.
Comment: This sequence change replaces glycine with aspartic acid at codon 615 of the GNPAT protein (p.Gly615Asp). The glycine residue is moderately conserved and there is a moderate physicochemical difference between glycine and aspartic acid. This variant is present in population databases (rs372823753, ExAC 0.01%). This variant has not been reported in the literature in individuals affected with GNPAT-related conditions. Algorithms developed to predict the effect of missense changes on protein structure and function (SIFT, PolyPhen-2, Align-GVGD) all suggest that this variant is likely to be tolerated. In summary, the available evidence is currently insufficient to determine the role of this variant in disease. Therefore, it has been classified as a Variant of Uncertain Significance.

NM_014236.4(GNPAT):c.1844G>A (p.Gly615Asp)

Gene: GNPAT (glyceronephosphate O-acyltransferase; plus strand). Cytogenetic location: 1q42.2.
Variant type: single nucleotide variant.
Coding change: c.1844G>A on transcript NM_014236.4 (MANE Select); coding-DNA position 1844, G replaced by A.
Protein change: p.Gly615Asp; replaces glycine 615 with aspartic acid.
Molecular consequence: missense variant.
Genome position (GRCh38, 1-based): chr1:231,275,405, G>A. VCF-style: chr1-231275405-G-A. GRCh37 (hg19) VCF-style: chr1-231411151-G-A.
Other names: c.1661G>A, p.Gly554Asp (NM_001316350.2); short protein forms G554D, G615D.
Identifiers: ClinVar variation 1002139 (VCV001002139.2), dbSNP rs372823753, ClinGen allele CA1452150.
Genomic context (GRCh38, chr1:231,275,405, plus strand): 5'-GATTTCTTTTAGTTGAGAATAGAAACTGGTCAACTAACTCTTCCTCACCCCCAATTTTAG[G>A]TACCTCTCAATGTTATGATGTATTATCTTCTGATGTGCAGAAAAACGCCTTAGCAGCCTG-3'
Protein context (NP_055051.1, residues 605-625): RKFTSQLLDQ[Gly615Asp]TSQCYDVLSS